The following is an entry in ClinVar:

NM_007294.4(BRCA1):c.2460A>T (p.Lys820Asn)

Gene: BRCA1 (BRCA1 DNA repair associated; minus strand). Cytogenetic location: 17q21.31.
Variant type: single nucleotide variant.
Coding change: c.2460A>T on transcript NM_007294.4 (MANE Select); coding-DNA position 2460, A replaced by T.
Protein change: p.Lys820Asn; replaces lysine 820 with asparagine.
Molecular consequence: missense variant. On other transcripts: intron variant (137).
Genome position (GRCh38, 1-based): chr17:43,093,071, T>A on the plus strand (A>T on the coding strand, the complement: BRCA1 is on the minus strand). VCF-style: chr17-43093071-T-A. GRCh37 (hg19) VCF-style: chr17-41245088-T-A.
Other names: c.2319A>T, p.Lys773Asn (NM_001407852.1, NM_001407944.1, NM_001407945.1 and 29 more transcripts); c.2247A>T, p.Lys749Asn (NM_001407853.1, NM_001407571.1, NM_001407894.1 and 9 more transcripts); c.2460A>T, p.Lys820Asn (NM_001407854.1, NM_001407618.1, NM_001407616.1 and 30 more transcripts); c.2457A>T, p.Lys819Asn (NM_001407614.1, NM_001407612.1, NM_001407615.1 and 22 more transcripts); c.2196A>T, p.Lys732Asn (NM_001407926.1, NM_001407929.1, NM_001407927.1 and 9 more transcripts); c.2193A>T, p.Lys731Asn (NM_001407930.1, NM_001407932.1, NM_001407934.1 and 2 more transcripts); c.2337A>T, p.Lys779Asn (NM_001407939.1, NM_001407938.1, NM_001407937.1 and 19 more transcripts); c.2334A>T, p.Lys778Asn (NM_001407940.1, NM_001407941.1, NM_001407649.1 and 11 more transcripts); and 41 more; short protein forms K753N, K779N, K794N, K524N, K652N, K708N, K750N, K773N.
Identifiers: ClinVar variation 2755706 (VCV002755706.3), dbSNP rs2154376323, ClinGen allele CA10597087.

ClinVar aggregate classification (germline): Uncertain significance (1 of 4 stars; one submission).

Conditions:
Hereditary breast ovarian cancer syndrome. Also called: Hereditary breast and ovarian cancer; Hereditary breast and ovarian cancer syndrome; Breast and ovarian cancer; BRCA1- and BRCA2-Associated Hereditary Breast and Ovarian Cancer; Hereditary breast and ovarian cancer syndrome (HBOC); Hereditary breast and/or ovarian cancer syndrome. Identifiers: Orphanet 145, MedGen C0677776, MeSH D061325, MONDO:0003582. Disease mechanism: loss of function.

Submission:

Labcorp Genetics (formerly Invitae), Labcorp
Classification: Uncertain significance for Hereditary breast ovarian cancer syndrome. Last evaluated: 2023-08-27. Review status: criteria provided, single submitter. Criteria: Invitae Variant Classification Sherloc (09022015). Collection method: clinical testing. Allele origin: germline.
Comment: This sequence change replaces lysine, which is basic and polar, with asparagine, which is neutral and polar, at codon 820 of the BRCA1 protein (p.Lys820Asn). This variant is not present in population databases (gnomAD no frequency). This variant has not been reported in the literature in individuals affected with BRCA1-related conditions. Advanced modeling of protein sequence and biophysical properties (such as structural, functional, and spatial information, amino acid conservation, physicochemical variation, residue mobility, and thermodynamic stability) performed at Invitae indicates that this missense variant is not expected to disrupt BRCA1 protein function. In summary, the available evidence is currently insufficient to determine the role of this variant in disease. Therefore, it has been classified as a Variant of Uncertain Significance.